The following is an entry in ClinVar:

ClinVar aggregate classification (germline): Uncertain significance (1 of 4 stars; one submission).

Conditions:
Joubert syndrome 23 (JBTS23). Identifiers: Orphanet 475, MedGen C4084822, MONDO:0014664, OMIM 616490.
Short-rib thoracic dysplasia 14 with polydactyly (SRTD14). Identifiers: Orphanet 397715, MedGen C4225286, MONDO:0014688, OMIM 616546.

Allele frequency attached by ClinVar (database versions not stated): gnomAD exomes 0.00002; TOPMed 0.00002; gnomAD 0.00004 and 0.00005.
gnomAD v4.1: 13 of 455,556 alleles (0.0029%); highest among the groups gnomAD compares: East Asian, 0.014%; 1 homozygote.

Submission:

Labcorp Genetics (formerly Invitae), Labcorp
Classification: Uncertain significance for Joubert syndrome 23; Short-rib thoracic dysplasia 14 with polydactyly. Last evaluated: 2022-09-19. Review status: criteria provided, single submitter. Criteria: Invitae Variant Classification Sherloc (09022015). Collection method: clinical testing. Allele origin: germline.
Comment: This sequence change replaces glycine, which is neutral and non-polar, with arginine, which is basic and polar, at codon 1567 of the KIAA0586 protein (p.Gly1567Arg). This variant is present in population databases (no rsID available, gnomAD 0.02%). This variant has not been reported in the literature in individuals affected with KIAA0586-related conditions. ClinVar contains an entry for this variant (Variation ID: 1380656). Algorithms developed to predict the effect of missense changes on protein structure and function output the following: SIFT: "Deleterious"; PolyPhen-2: "Benign"; Align-GVGD: "Class C0". The arginine amino acid residue is found in multiple mammalian species, which suggests that this missense change does not adversely affect protein function. In summary, the available evidence is currently insufficient to determine the role of this variant in disease. Therefore, it has been classified as a Variant of Uncertain Significance.

NM_001329943.3(KIAA0586):c.4495+3791G>A

Gene: KIAA0586 (KIAA0586; plus strand). Cytogenetic location: 14q23.1.
Variant type: single nucleotide variant.
Coding change: c.4495+3791G>A on transcript NM_001329943.3 (MANE Select); 3791 bases into the intron after coding-DNA position 4495, G replaced by A.
Molecular consequence: intron variant. On other transcripts: missense variant (2).
Genome position (GRCh38, 1-based): chr14:58,543,927, G>A. VCF-style: chr14-58543927-G-A. GRCh37 (hg19) VCF-style: chr14-59010645-G-A.
Other names: c.4699G>A, p.Gly1567Arg (NM_001244189.2); c.4540G>A, p.Gly1514Arg (NM_001329944.2); c.4450+3791G>A (NM_001244190.2); c.4363+3791G>A (NM_001244192.2, NM_001329947.2); c.4240+3791G>A (NM_001244191.2, NM_001364701.2); c.4430-3854G>A (NM_001329946.2); c.4267+3791G>A (NM_014749.5); c.4175-3854G>A (NM_001329945.2); short protein forms G1567R, G1514R.
Identifiers: ClinVar variation 1380656 (VCV001380656.3), dbSNP rs924361010, ClinGen allele CA262037734.